The following is an entry in ClinVar:

NM_001129820.2(SLFN14):c.1853C>A (p.Pro618Gln)

Gene: SLFN14 (schlafen family member 14; minus strand). Cytogenetic location: 17q12.
Variant type: single nucleotide variant.
Coding change: c.1853C>A on transcript NM_001129820.2 (MANE Select); coding-DNA position 1853, C replaced by A.
Protein change: p.Pro618Gln; replaces proline 618 with glutamine.
Molecular consequence: missense variant.
Genome position (GRCh38, 1-based): chr17:35,552,781, G>T on the plus strand (C>A on the coding strand, the complement: SLFN14 is on the minus strand). VCF-style: chr17-35552781-G-T. GRCh37 (hg19) VCF-style: chr17-33879800-G-T.
Other names: short protein forms P618Q.
Identifiers: ClinVar variation 2472523 (VCV002472523.3), dbSNP rs1259424677, ClinGen allele CA399122979.

ClinVar aggregate classification (germline): Uncertain significance. Review status: criteria provided, multiple submitters, no conflicts (2 of 4 stars). 2 submissions from 2 submitters: Uncertain significance (2). Last evaluated 2023-05-03.

Conditions:
Inborn genetic diseases. Identifiers: MedGen C0950123, MeSH D030342.
SLFN14-related disorder. Also called: SLFN14-related condition.

Allele frequency attached by ClinVar (database versions not stated): TOPMed 0.00001; gnomAD 0.00003.

Submissions (2):

PreventionGenetics, part of Exact Sciences
Classification: Uncertain significance for SLFN14-related condition. Last evaluated: 2023-05-03. Review status: criteria provided, single submitter. Criteria: ACMG Guidelines, 2015. Collection method: clinical testing. Allele origin: germline.
Comment: The SLFN14 c.1853C>A variant is predicted to result in the amino acid substitution p.Pro618Gln. To our knowledge, this variant has not been reported in the literature. This variant is reported in 0.0067% of alleles in individuals of European (Non-Finnish) descent in gnomAD. At this time, the clinical significance of this variant is uncertain due to the absence of conclusive functional and genetic evidence.

Ambry Genetics
Classification: Uncertain significance for Inborn genetic diseases. Last evaluated: 2023-01-25. Review status: criteria provided, single submitter. Criteria: Ambry Variant Classification Scheme 2023. Collection method: clinical testing. Allele origin: germline.